The following is an entry in ClinVar:

NM_004706.4(ARHGEF1):c.709G>A (p.Asp237Asn)

Gene: ARHGEF1 (Rho guanine nucleotide exchange factor 1; plus strand). Cytogenetic location: 19q13.2.
Variant type: single nucleotide variant.
Coding change: c.709G>A on transcript NM_004706.4 (MANE Select); coding-DNA position 709, G replaced by A.
Protein change: p.Asp237Asn; replaces aspartic acid 237 with asparagine.
Molecular consequence: missense variant. On other transcripts: non-coding transcript variant (2).
Genome position (GRCh38, 1-based): chr19:41,894,271, G>A. VCF-style: chr19-41894271-G-A. GRCh37 (hg19) VCF-style: chr19-42398344-G-A.
Other names: c.709G>A, p.Asp237Asn (NM_001396000.1, NM_001396003.1, NM_001396006.1); c.610G>A, p.Asp204Asn (NM_001396002.1, NM_001396004.1, NM_198977.2); c.754G>A, p.Asp252Asn (NM_199002.2); short protein forms D237N, D252N, D204N.
Identifiers: ClinVar variation 4765033 (VCV004765033.1).
Genomic context (GRCh38, chr19:41,894,271, plus strand): 5'-GCCGTGGTCAACGCCATTGGCCTGTACATGCGCCACCTTGGGGTGCGGACCAAGAGTGGA[G>A]ACAAGAAGTCGGGGAGGAACTTCTTCCGGAAAAAGGTGCTTCCCTCAGTGCCCCGTCCTG-3'
Protein context (NP_004697.2, residues 227-247): RHLGVRTKSG[Asp237Asn]KKSGRNFFRK

ClinVar aggregate classification (germline): Uncertain significance (1 of 4 stars; one submission).

gnomAD v4.1: 6 of 1,572,342 alleles (0.00038%); highest among the groups gnomAD compares: Non-Finnish European, 0.00052%; no homozygotes.

Submission:

Labcorp Genetics (formerly Invitae), Labcorp
Classification: Uncertain significance. Last evaluated: 2025-07-23. Review status: criteria provided, single submitter. Criteria: Invitae Variant Classification Sherloc (09022015). Collection method: clinical testing. Allele origin: germline.
Comment: This sequence change replaces aspartic acid, which is acidic and polar, with asparagine, which is neutral and polar, at codon 252 of the ARHGEF1 protein (p.Asp252Asn). This variant is not present in population databases (gnomAD no frequency). This variant has not been reported in the literature in individuals affected with ARHGEF1-related conditions. An algorithm developed to predict the effect of missense changes on protein structure and function (PolyPhen-2) suggests that this variant is likely to be disruptive. In summary, the available evidence is currently insufficient to determine the role of this variant in disease. Therefore, it has been classified as a Variant of Uncertain Significance.